The following is an entry in ClinVar:

ClinVar aggregate classification (germline): Uncertain significance (1 of 4 stars; one submission).

Allele frequency attached by ClinVar (database versions not stated): TOPMed 0.00001; ExAC 0.00002; gnomAD 0.00002; gnomAD exomes 0.00002.
gnomAD v4.1: 26 of 1,613,592 alleles (0.0016%); highest among the groups gnomAD compares: Non-Finnish European, 0.0022%; no homozygotes.

Submission:

Labcorp Genetics (formerly Invitae), Labcorp
Classification: Uncertain significance. Last evaluated: 2023-03-26. Review status: criteria provided, single submitter. Criteria: Invitae Variant Classification Sherloc (09022015). Collection method: clinical testing. Allele origin: germline.
Comment: In summary, the available evidence is currently insufficient to determine the role of this variant in disease. Therefore, it has been classified as a Variant of Uncertain Significance. Algorithms developed to predict the effect of sequence changes on RNA splicing suggest that this variant may create or strengthen a splice site. This variant has not been reported in the literature in individuals affected with CRAT-related conditions. This variant is present in population databases (rs202138376, gnomAD 0.0009%). This sequence change falls in intron 10 of the CRAT gene. It does not directly change the encoded amino acid sequence of the CRAT protein.

NM_000755.5(CRAT):c.1329-7C>T

Gene: CRAT (carnitine O-acetyltransferase; minus strand). Cytogenetic location: 9q34.11.
Variant type: single nucleotide variant.
Coding change: c.1329-7C>T on transcript NM_000755.5 (MANE Select); 7 bases into the intron before coding-DNA position 1329, C replaced by T.
Molecular consequence: intron variant.
Genome position (GRCh38, 1-based): chr9:129,098,155, G>A on the plus strand (C>T on the coding strand, the complement: CRAT is on the minus strand). VCF-style: chr9-129098155-G-A. GRCh37 (hg19) VCF-style: chr9-131860434-G-A.
Other names: c.1209-7C>T (NM_001346549.2); c.1329-7C>T (NM_001346547.2); c.1266-7C>T (NM_001346548.2, NM_001257363.3, NM_004003.4); c.1332-7C>T (NM_001346546.2).
Identifiers: ClinVar variation 2991120 (VCV002991120.3), dbSNP rs202138376, ClinGen allele CA5275403.